The following is an entry in ClinVar:

NM_014314.4(RIGI):c.2140C>G (p.Leu714Val)

Gene: RIGI (RNA sensor RIG-I; minus strand). Cytogenetic location: 9p21.1.
Variant type: single nucleotide variant.
Coding change: c.2140C>G on transcript NM_014314.4 (MANE Select); coding-DNA position 2140, C replaced by G.
Protein change: p.Leu714Val; replaces leucine 714 with valine.
Molecular consequence: missense variant. On other transcripts: intron variant (1).
Genome position (GRCh38, 1-based): chr9:32,467,807, G>C on the plus strand (C>G on the coding strand, the complement: RIGI is on the minus strand). VCF-style: chr9-32467807-G-C. GRCh37 (hg19) VCF-style: chr9-32467805-G-C.
Other names: c.2134C>G, p.Leu712Val (NM_001385907.1); c.1699C>G, p.Leu567Val (NM_001385910.1); c.1531C>G, p.Leu511Val (NM_001385912.1); c.2125C>G, p.Leu709Val (NM_001385913.1); c.1696C>G, p.Leu566Val (NM_001385914.1); c.2015-1366C>G (NM_001385909.1); short protein forms L511V, L567V, L712V, L714V, L566V, L709V.
Identifiers: ClinVar variation 2879033 (VCV002879033.3), dbSNP rs1249161964, ClinGen allele CA373146064.

ClinVar aggregate classification (germline): Uncertain significance (1 of 4 stars; one submission).

Allele frequency attached by ClinVar (database versions not stated): gnomAD exomes below 0.00001; TOPMed below 0.00001.
gnomAD v4.1: 2 of 1,608,436 alleles (0.00012%); highest among the groups gnomAD compares: Non-Finnish European, 0.00017%; no homozygotes.

Submission:

Labcorp Genetics (formerly Invitae), Labcorp
Classification: Uncertain significance. Last evaluated: 2023-10-18. Review status: criteria provided, single submitter. Criteria: Invitae Variant Classification Sherloc (09022015). Collection method: clinical testing. Allele origin: germline.
Comment: This sequence change replaces leucine, which is neutral and non-polar, with valine, which is neutral and non-polar, at codon 714 of the DDX58 protein (p.Leu714Val). This variant is present in population databases (no rsID available, gnomAD 0.0009%). This variant has not been reported in the literature in individuals affected with DDX58-related conditions. Advanced modeling of protein sequence and biophysical properties (such as structural, functional, and spatial information, amino acid conservation, physicochemical variation, residue mobility, and thermodynamic stability) performed at Invitae indicates that this missense variant is expected to disrupt DDX58 protein function. In summary, the available evidence is currently insufficient to determine the role of this variant in disease. Therefore, it has been classified as a Variant of Uncertain Significance.